The following is an entry in ClinVar:

NM_000038.6(APC):c.6064T>A (p.Ser2022Thr)

Gene: APC (APC regulator of Wnt signaling pathway; plus strand). Cytogenetic location: 5q22.2.
Variant type: single nucleotide variant.
Coding change: c.6064T>A on transcript NM_000038.6 (MANE Select); coding-DNA position 6064, T replaced by A.
Protein change: p.Ser2022Thr; replaces serine 2022 with threonine.
Molecular consequence: missense variant. On other transcripts: non-coding transcript variant (2).
Genome position (GRCh38, 1-based): chr5:112,841,658, T>A. VCF-style: chr5-112841658-T-A. GRCh37 (hg19) VCF-style: chr5-112177355-T-A.
Other names: c.6064T>A, p.Ser2022Thr (NM_001127510.3, NM_001354895.2, NM_001407450.1); c.6010T>A, p.Ser2004Thr (NM_001127511.3); c.6118T>A, p.Ser2040Thr (NM_001354896.2, NM_001407447.1, NM_001407448.1 and 1 more transcripts); c.6094T>A, p.Ser2032Thr (NM_001354897.2); c.5989T>A, p.Ser1997Thr (NM_001354898.2); c.5980T>A, p.Ser1994Thr (NM_001354899.2); c.5941T>A, p.Ser1981Thr (NM_001354900.2); c.5887T>A, p.Ser1963Thr (NM_001354901.2, NM_001407453.1); and 11 more; short protein forms S1638T, S1739T, S1862T, S1893T, S1896T, S1921T, S1931T, S1939T.
Identifiers: ClinVar variation 4532887 (VCV004532887.1).

ClinVar aggregate classification (germline): Uncertain significance (1 of 4 stars; one submission).

Submission:

Quest Diagnostics Nichols Institute San Juan Capistrano
Classification: Uncertain significance. Last evaluated: 2025-08-22. Review status: criteria provided, single submitter. Criteria: Quest Diagnostics criteria. Collection method: clinical testing. Allele origin: unknown.
Comment: The APC c.6064T>A (p.Ser2022Thr) variant has not been reported in individuals with APC-related conditions in the published literature. This variant also has not been reported in large, multi-ethnic general populations (Genome Aggregation Database). Analysis of this variant using bioinformatics tools for the prediction of the effect of amino acid changes on protein structure and function yielded predictions that this variant is damaging. Based on the available information, we are unable to determine the clinical significance of this variant.